The following is an entry in ClinVar:

ClinVar aggregate classification (germline): Pathogenic. Review status: criteria provided, single submitter (1 of 4 stars). 2 submissions from 2 submitters: Pathogenic (1). 1 of the submissions does not count toward it. Last evaluated 2026-06-29.

Conditions:
Congenital adrenal hyperplasia. Identifiers: Orphanet 418, MedGen C0001627, MONDO:0018479, HP:0008258.
Deficiency of steroid 11-beta-monooxygenase (CYP11B1). Also called: ADRENAL HYPERPLASIA, CONGENITAL, DUE TO STEROID 11-BETA-HYDROXYLASE DEFICIENCY; Congenital adrenal hyperplasia due to 11-beta-hydroxylase deficiency; P450C11B1 DEFICIENCY; STEROID 11-BETA-HYDROXYLASE DEFICIENCY; ADRENAL HYPERPLASIA IV; 11-BETA-HYDROXYLASE DEFICIENCY. Identifiers: Orphanet 90795, MedGen C0268292, MONDO:0008729, OMIM 202010. Disease mechanism: loss of function.

Submissions (2):

Women's Health and Genetics/Laboratory Corporation of America, LabCorp
Classification: Pathogenic for Congenital adrenal hyperplasia. Last evaluated: 2026-06-29. Review status: criteria provided, single submitter. Criteria: LabCorp Variant Classification Summary - May 2015. Collection method: clinical testing. Allele origin: germline.
Comment: Variant summary: CYP11B1 c.168G>A (p.Trp56X) results in a premature termination codon, predicted to cause a truncation of the encoded protein or absence of the protein due to nonsense mediated decay, which are commonly known mechanisms for disease. The variant was absent in 251436 control chromosomes. c.168G>A has been observed in individual(s) affected with CYP11B1-related conditions (e.g. Xu_2015). These report(s) do not provide unequivocal conclusions about association of the variant with disease. To our knowledge, no experimental evidence demonstrating an impact on protein function has been reported. The following publication has been ascertained in the context of this evaluation (PMID: 26066897). ClinVar contains an entry for this variant (Variation ID: 556273). Based on the evidence outlined above, the variant was classified as pathogenic.

Counsyl
Classification: Likely pathogenic for Deficiency of steroid 11-beta-monooxygenase. Last evaluated: 2018-01-23. Review status: no assertion criteria provided. Collection method: clinical testing. Allele origin: unknown. Not counted in ClinVar's aggregate classification.

Literature cited by the submitters: PubMed 26066897 (cited by Women's Health and Genetics/Laboratory Corporation of America, LabCorp and Counsyl).

NM_000497.4(CYP11B1):c.168G>A (p.Trp56Ter)

Gene: CYP11B1 (cytochrome P450 family 11 subfamily B member 1; minus strand). Cytogenetic location: 8q24.3.
Variant type: single nucleotide variant.
Coding change: c.168G>A on transcript NM_000497.4 (MANE Select); coding-DNA position 168, G replaced by A.
Protein change: p.Trp56Ter; replaces tryptophan 56 with a stop codon.
Molecular consequence: nonsense.
Genome position (GRCh38, 1-based): chr8:142,879,646, C>T on the plus strand (G>A on the coding strand, the complement: CYP11B1 is on the minus strand). VCF-style: chr8-142879646-C-T. GRCh37 (hg19) VCF-style: chr8-143961062-C-T.
Other names: c.168G>A, p.Trp56Ter (NM_001026213.1); short protein forms W56*.
Identifiers: ClinVar variation 556273 (VCV000556273.3), dbSNP rs1383321200, ClinGen allele CA372397212.
Genomic context (GRCh38, chr8:142,879,646, plus strand): 5'-CCCTAGTTCCTGGAAGGTCTGGTGTACTTCCAGGTGCAGGTCCTCATAACCCTGCTCCCT[C>T]CAGATCTGCAGCAGCCTCAGCCACCTGTTGCCTGGACGCCGGGGCATGGCTTCAAAGGGC-3'